The following is an entry in ClinVar:

ClinVar aggregate classification (germline): Pathogenic. Review status: criteria provided, multiple submitters, no conflicts (2 of 4 stars). 2 submissions from 2 submitters: Pathogenic (2). Last evaluated 2025-11-20.

Conditions:
Hereditary cancer-predisposing syndrome. Also called: Tumor predisposition; Neoplastic Syndromes, Hereditary; Hereditary neoplastic syndrome; Hereditary Cancer Syndrome. Identifiers: Orphanet 140162, MedGen C0027672, MeSH D009386, MONDO:0015356.
Ataxia-telangiectasia syndrome (AT). Also called: Ataxia-telangiectasia, complementation group D; AT, COMPLEMENTATION GROUP C; ATAXIA-TELANGIECTASIA, COMPLEMENTATION GROUP A; ATAXIA-TELANGIECTASIA, FRESNO VARIANT; Ataxia-telangiectasia; Ataxia telangiectasia (A-T). Identifiers: Orphanet 100, MedGen C0004135, MONDO:0008840, OMIM 208900.

Submissions (2):

Ambry Genetics
Classification: Pathogenic for Hereditary cancer-predisposing syndrome. Last evaluated: 2025-11-20. Review status: criteria provided, single submitter. Criteria: Ambry Variant Classification Scheme 2023. Collection method: clinical testing. Allele origin: germline.
Comment: The c.7358_7383del26insTAA pathogenic mutation, located in coding exon 49 of the ATM gene, results from the deletion of 26 nucleotides and insertion of 3 nucleotides causing a translational frameshift with a predicted alternate stop codon (p.R2453Lfs*5). This variant is considered to be rare based on population cohorts in the Genome Aggregation Database (gnomAD). This alteration is expected to result in loss of function by premature protein truncation or nonsense-mediated mRNA decay. As such, this alteration is interpreted as a disease-causing mutation.

Labcorp Genetics (formerly Invitae), Labcorp
Classification: Pathogenic for Ataxia-telangiectasia syndrome. Last evaluated: 2023-05-23. Review status: criteria provided, single submitter. Criteria: Invitae Variant Classification Sherloc (09022015). Collection method: clinical testing. Allele origin: germline.
Comment: For these reasons, this variant has been classified as Pathogenic. This variant has not been reported in the literature in individuals affected with ATM-related conditions. Information on the frequency of this variant in the gnomAD database is not available, as this variant may be reported differently in the database. This sequence change creates a premature translational stop signal (p.Arg2453Leufs*5) in the ATM gene. It is expected to result in an absent or disrupted protein product. Loss-of-function variants in ATM are known to be pathogenic (PMID: 23807571, 25614872).

Literature cited by the submitters: PubMed 23807571 (cited by Labcorp Genetics (formerly Invitae), Labcorp); PubMed 25614872 (cited by Labcorp Genetics (formerly Invitae), Labcorp).

NM_000051.4(ATM):c.7358_7383delinsTAA (p.Arg2453fs)

Genes: ATM (ATM serine/threonine kinase; plus strand), C11orf65 (chromosome 11 open reading frame 65; minus strand). Cytogenetic location: 11q22.3.
Variant type: Indel.
Coding change: c.7358_7383delinsTAA on transcript NM_000051.4 (MANE Select); coding-DNA positions 7358 to 7383, GTGCACTGAAAGAGGATCGTAAACGC replaced by TAA.
Protein change: p.Arg2453fs; shifts the reading frame from arginine 2453.
Molecular consequence: frameshift variant. On other transcripts: intron variant (2).
Genome position (GRCh38, 1-based): chr11:108,330,264-108,330,289, GTGCACTGAAAGAGGATCGTAAACGC replaced by TAA. VCF-style: chr11-108330264-GTGCACTGAAAGAGGATCGTAAACGC-TAA. GRCh37 (hg19) VCF-style: chr11-108200991-GTGCACTGAAAGAGGATCGTAAACGC-TAA.
Other names: c.7358_7383del26insTAA, p.Arg2453Leufs (NM_000051.3); c.7358_7383delinsTAA, p.Arg2453fs (NM_001351834.2); c.641-21218_641-21193delinsTTA (NM_001330368.2); c.*38+4931_*38+4956delinsTTA (NM_001351110.2); short protein forms R2453fs.
Identifiers: ClinVar variation 965864 (VCV000965864.7), dbSNP rs2086117562, ClinGen allele CA1139662177.